The following is an entry in ClinVar:

NM_005343.4(HRAS):c.182A>T (p.Gln61Leu)

Genes: HRAS (HRas proto-oncogene, GTPase; minus strand), LRRC56 (leucine rich repeat containing 56; plus strand). Cytogenetic location: 11p15.5.
Variant type: single nucleotide variant.
Coding change: c.182A>T on transcript NM_005343.4 (MANE Select); coding-DNA position 182, A replaced by T.
Protein change: p.Gln61Leu; replaces glutamine 61 with leucine.
Molecular consequence: missense variant. On other transcripts: 5 prime UTR variant (1).
Genome position (GRCh38, 1-based): chr11:533,874, T>A on the plus strand (A>T on the coding strand, the complement: HRAS is on the minus strand). VCF-style: chr11-533874-T-A. GRCh37 (hg19) VCF-style: chr11-533874-T-A.
Other names: c.182A>T, p.Gln61Leu (NM_001130442.3, NM_176795.5); c.-138A>T (NM_001318054.2); short protein forms Q61L.
Identifiers: ClinVar variation 376033 (VCV000376033.15), dbSNP rs121913233, ClinGen allele CA16602500.

ClinVar aggregate classification (germline): Uncertain significance. Review status: criteria provided, single submitter (1 of 4 stars). 3 submissions from 3 submitters: Uncertain significance (1). 2 of the submissions do not count toward it. Last evaluated 2020-03-06.
ClinVar aggregate classification (somatic clinical impact): Tier I - Strong (1 of 4 stars; one submission).
ClinVar aggregate classification (oncogenicity): Oncogenic (1 of 4 stars; one submission).

Conditions:
KA-like vemurafenib-induced squamous lesions.
Lip and oral cavity carcinoma. Identifiers: MedGen C0220641, MONDO:0023644.
Costello syndrome (CSTLO). Also called: FACIOCUTANEOSKELETAL SYNDROME; FCS SYNDROME; HRAS-Related Costello Syndrome. Identifiers: Orphanet 3071, MedGen C0587248, MONDO:0009026, OMIM 218040.
Soft tissue sarcoma. Identifiers: Orphanet 3394, MedGen C4551687, MONDO:0018078, HP:0030448.
Neoplasm. Also called: tumor; Neoplasms; Neoplasm (disease). Identifiers: MedGen C0027651, MeSH D009369, MONDO:0005070, HP:0002664.

Submissions (5):

Institute for Genomic Medicine (IGM) Clinical Laboratory, Nationwide Children's Hospital
Classification: Tier I - Strong for Soft tissue sarcoma. Assertion type: diagnostic. Clinical significance: supports diagnosis. Last evaluated: 2025-07-15. Review status: criteria provided, single submitter. Criteria: AMP/ASCO/CAP Guidelines, 2017. Collection method: clinical testing. Allele origin: somatic. Affected: yes.
Comment: Variant has Tier I (strong) clinical significance as a diagnostic inclusion criterion in soft tissue sarcoma, based on the following evidence: 1) Documented in one or more cancer databases (e.g., St. Jude Pecan, COSMIC, CIViC, OncoKB). 2) Appears in one or more well-established professional guidelines (e.g., World Health Organization [WHO]; National Comprehensive Cancer Network [NCCN]) as providing diagnostic, prognostic, or therapeutic information. 3) Information in the literature supports potential biologic effect of variant (PMID: 9219684). 4) Diagnostic for a specific tumor type/classification based on well-powered studies with expert-level consensus (Evidence Level B; PMIDs: 34166060, 24436047, 2680062, 19681119, 24332040, 25768946).

Center for Genomic Medicine, Rigshospitalet, Copenhagen University Hospital
Classification: Oncogenic for Neoplasm. Last evaluated: 2025-03-04. Review status: criteria provided, single submitter. Criteria: ClinGen/CGC/VICC Guidelines for Oncogenicity, 2022. Collection method: clinical testing. Allele origin: somatic. Affected: yes.

Labcorp Genetics (formerly Invitae), Labcorp
Classification: Uncertain significance for Costello syndrome. Last evaluated: 2020-03-06. Review status: criteria provided, single submitter. Criteria: Invitae Variant Classification Sherloc (09022015). Collection method: clinical testing. Allele origin: germline.
Comment: This sequence change replaces glutamine with leucine at codon 61 of the HRAS protein (p.Gln61Leu). The glutamine residue is highly conserved and there is a moderate physicochemical difference between glutamine and leucine. This variant is not present in population databases (ExAC no frequency). This variant has not been reported in the literature in individuals with HRAS-related conditions. ClinVar contains an entry for this variant (Variation ID: 376033). Algorithms developed to predict the effect of missense changes on protein structure and function (SIFT, PolyPhen-2, Align-GVGD) all suggest that this variant is likely to be disruptive, but these predictions have not been confirmed by published functional studies and their clinical significance is uncertain. In summary, the available evidence is currently insufficient to determine the role of this variant in disease. Therefore, it has been classified as a Variant of Uncertain Significance.

Institute of Medical Sciences, Banaras Hindu University
Classification: Pathogenic for Lip and oral cavity carcinoma. Last evaluated: 2019-04-30. Review status: no assertion criteria provided. Collection method: research. Allele origin: somatic. Affected: yes. Not counted in ClinVar's aggregate classification.

Yale Center for Mendelian Genomics, Yale University
Classification: Pathogenic for KA-like vemurafenib-induced squamous lesions. Last evaluated: 2016-06-07. Review status: no assertion criteria provided. Collection method: literature only. Allele origin: somatic. Affected: yes. Observed: 1 heterozygote. Study: Yale Center for Mendelian Genomics. Not counted in ClinVar's aggregate classification.

Literature cited by the submitters: PubMed 9219684 (cited by Institute for Genomic Medicine (IGM) Clinical Laboratory, Nationwide Children's Hospital); PubMed 34166060 (cited by Institute for Genomic Medicine (IGM) Clinical Laboratory, Nationwide Children's Hospital); PubMed 24436047 (cited by Institute for Genomic Medicine (IGM) Clinical Laboratory, Nationwide Children's Hospital); PubMed 2680062 (cited by Institute for Genomic Medicine (IGM) Clinical Laboratory, Nationwide Children's Hospital); PubMed 19681119 (cited by Institute for Genomic Medicine (IGM) Clinical Laboratory, Nationwide Children's Hospital); PubMed 24332040 (cited by Institute for Genomic Medicine (IGM) Clinical Laboratory, Nationwide Children's Hospital); PubMed 25768946 (cited by Institute for Genomic Medicine (IGM) Clinical Laboratory, Nationwide Children's Hospital); PubMed 23487764 (cited by Center for Genomic Medicine, Rigshospitalet, Copenhagen University Hospital); PubMed 3510078 (cited by Center for Genomic Medicine, Rigshospitalet, Copenhagen University Hospital); PubMed 31775759 (cited by Institute of Medical Sciences, Banaras Hindu University); PubMed 27283355 (cited by Yale Center for Mendelian Genomics, Yale University).